The following is an entry in ClinVar:

ClinVar aggregate classification (germline): Likely benign. Review status: criteria provided, multiple submitters, no conflicts (2 of 4 stars). 2 submissions from 2 submitters: Likely benign (2). Last evaluated 2026-08-01.

Allele frequency attached by ClinVar (database versions not stated): gnomAD exomes 0.00002 and 0.00011; TOPMed 0.00030; gnomAD 0.00031 and 0.00033.
gnomAD v4.1: 78 of 1,607,380 alleles (0.0049%); highest among the groups gnomAD compares: Admixed American, 0.12%; no homozygotes.

Submissions (2):

CeGaT Center for Human Genetics Tuebingen
Classification: Likely benign. Last evaluated: 2026-08-01. Review status: criteria provided, single submitter. Criteria: CeGaT Center For Human Genetics Tuebingen Variant Classification Criteria Version 2. Collection method: clinical testing. Allele origin: germline. Affected: yes. Observed: 1 variant allele.
Comment: COL27A1: BP4, BP7

Labcorp Genetics (formerly Invitae), Labcorp
Classification: Likely benign. Last evaluated: 2025-05-27. Review status: criteria provided, single submitter. Criteria: Invitae Variant Classification Sherloc (09022015). Collection method: clinical testing. Allele origin: germline.

NM_032888.4(COL27A1):c.4029G>A (p.Gly1343=)

Genes: COL27A1 (collagen type XXVII alpha 1 chain; plus strand), LOC126860736 (MED14-independent group 3 enhancer GRCh37_chr9:117050487-117051686; plus strand). Cytogenetic location: 9q32.
Variant type: single nucleotide variant.
Coding change: c.4029G>A on transcript NM_032888.4 (MANE Select); coding-DNA position 4029, G replaced by A.
Protein change: p.Gly1343=; no amino-acid change (glycine 1343 retained).
Molecular consequence: synonymous variant.
Genome position (GRCh38, 1-based): chr9:114,288,496, G>A. VCF-style: chr9-114288496-G-A. GRCh37 (hg19) VCF-style: chr9-117050776-G-A.
Identifiers: ClinVar variation 719741 (VCV000719741.12), dbSNP rs1028247631, ClinGen allele CA198660541.